The following is an entry in ClinVar:

ClinVar aggregate classification (germline): Uncertain significance (0 of 4 stars; one submission).

Conditions:
UROD-related disorder. Also called: UROD-related disorders; UROD-related condition.

Allele frequency attached by ClinVar (database versions not stated): gnomAD 0.00001.
gnomAD v4.1: 7 of 1,614,066 alleles (0.00043%); highest among the groups gnomAD compares: Middle Eastern, 0.033%; no homozygotes.

Submission:

PreventionGenetics, part of Exact Sciences
Classification: Uncertain significance for UROD-related condition. Last evaluated: 2023-11-10. Review status: no assertion criteria provided. Collection method: clinical testing. Allele origin: germline.
Comment: The UROD c.151G>A variant is predicted to result in the amino acid substitution p.Ala51Thr. To our knowledge, this variant has not been reported in the literature or in a large population database, indicating this variant is rare. At this time, the clinical significance of this variant is uncertain due to the absence of conclusive functional and genetic evidence.

NM_000374.5(UROD):c.151G>A (p.Ala51Thr)

Gene: UROD (uroporphyrinogen decarboxylase; plus strand). Cytogenetic location: 1p34.1.
Variant type: single nucleotide variant.
Coding change: c.151G>A on transcript NM_000374.5 (MANE Select); coding-DNA position 151, G replaced by A.
Protein change: p.Ala51Thr; replaces alanine 51 with threonine.
Molecular consequence: missense variant. On other transcripts: non-coding transcript variant (3).
Genome position (GRCh38, 1-based): chr1:45,013,153, G>A. VCF-style: chr1-45013153-G-A. GRCh37 (hg19) VCF-style: chr1-45478825-G-A.
Other names: short protein forms A51T.
Identifiers: ClinVar variation 3045110 (VCV003045110.2), dbSNP rs892207866, ClinGen allele CA21794953.
Genomic context (GRCh38, chr1:45,013,153, plus strand): 5'-TGGAGGGCCTCAAGGCTGAGCCCTGTCTTCCCTCTGTATGCAGAGTTTAGGGAAACCCGG[G>A]CTGCCCAGGACTTTTTCAGCACGTGTCGCTCTCCTGAGGCCTGCTGTGAACTGACTCTGC-3'
Protein context (NP_000365.3, residues 41-61): RYLPEFRETR[Ala51Thr]AQDFFSTCRS